The following is an entry in ClinVar:

ClinVar aggregate classification (germline): Uncertain significance (1 of 4 stars; one submission).

Allele frequency attached by ClinVar (database versions not stated): gnomAD exomes 0.00001; ExAC 0.00002.

Submission:

Labcorp Genetics (formerly Invitae), Labcorp
Classification: Uncertain significance. Last evaluated: 2022-07-19. Review status: criteria provided, single submitter. Criteria: Invitae Variant Classification Sherloc (09022015). Collection method: clinical testing. Allele origin: germline.
Comment: In summary, the available evidence is currently insufficient to determine the role of this variant in disease. Therefore, it has been classified as a Variant of Uncertain Significance. Advanced modeling of protein sequence and biophysical properties (such as structural, functional, and spatial information, amino acid conservation, physicochemical variation, residue mobility, and thermodynamic stability) performed at Invitae indicates that this missense variant is not expected to disrupt RHO protein function. ClinVar contains an entry for this variant (Variation ID: 1415580). This variant has not been reported in the literature in individuals affected with RHO-related conditions. This variant is present in population databases (rs769236224, gnomAD 0.002%). This sequence change replaces leucine, which is neutral and non-polar, with phenylalanine, which is neutral and non-polar, at codon 172 of the RHO protein (p.Leu172Phe).

NM_000539.3(RHO):c.514C>T (p.Leu172Phe)

Gene: RHO (rhodopsin; plus strand). Cytogenetic location: 3q22.1.
Variant type: single nucleotide variant.
Coding change: c.514C>T on transcript NM_000539.3 (MANE Select); coding-DNA position 514, C replaced by T.
Protein change: p.Leu172Phe; replaces leucine 172 with phenylalanine.
Molecular consequence: missense variant.
Genome position (GRCh38, 1-based): chr3:129,531,028, C>T. VCF-style: chr3-129531028-C-T. GRCh37 (hg19) VCF-style: chr3-129249871-C-T.
Other names: short protein forms L172F.
Identifiers: ClinVar variation 1415580 (VCV001415580.8), dbSNP rs769236224, ClinGen allele CA2607178.